The following is an entry in ClinVar:

ClinVar aggregate classification (germline): Uncertain significance (1 of 4 stars; one submission).

Conditions:
Cystic fibrosis (CF). Also called: MUCOVISCIDOSIS. Identifiers: Orphanet 586, MedGen C0010674, MONDO:0009061, OMIM 219700. Disease mechanism: loss of function.

Submission:

Ambry Genetics
Classification: Uncertain significance for Cystic fibrosis. Last evaluated: 2026-08-02. Review status: criteria provided, single submitter. Criteria: Ambry Variant Classification Scheme 2023. Collection method: clinical testing. Allele origin: germline.
Comment: The p.E1172A variant (also known as c.3515A>C), located in coding exon 22 of the CFTR gene, results from an A to C substitution at nucleotide position 3515. The glutamic acid at codon 1172 is replaced by alanine, an amino acid with dissimilar properties. This amino acid position is conserved. In addition, the in silico prediction for this alteration is inconclusive. Based on the available evidence, the clinical significance of this variant remains unclear.

NM_000492.4(CFTR):c.3515A>C (p.Glu1172Ala)

Genes: CFTR (CF transmembrane conductance regulator; plus strand), CFTR-AS2 (CFTR antisense RNA 2; minus strand). Cytogenetic location: 7q31.2.
Variant type: single nucleotide variant.
Coding change: c.3515A>C on transcript NM_000492.4 (MANE Select); coding-DNA position 3515, A replaced by C.
Protein change: p.Glu1172Ala; replaces glutamic acid 1172 with alanine.
Molecular consequence: missense variant.
Genome position (GRCh38, 1-based): chr7:117,627,568, A>C. VCF-style: chr7-117627568-A-C. GRCh37 (hg19) VCF-style: chr7-117267622-A-C.
Other names: short protein forms E1172A.
Identifiers: ClinVar variation 5034455 (VCV005034455.1).